The following is an entry in ClinVar:

NM_006231.4(POLE):c.2060A>C (p.Gln687Pro)

Gene: POLE (DNA polymerase epsilon, catalytic subunit; minus strand). Cytogenetic location: 12q24.33.
Variant type: single nucleotide variant.
Coding change: c.2060A>C on transcript NM_006231.4 (MANE Select); coding-DNA position 2060, A replaced by C.
Protein change: p.Gln687Pro; replaces glutamine 687 with proline.
Molecular consequence: missense variant.
Genome position (GRCh38, 1-based): chr12:132,668,469, T>G on the plus strand (A>C on the coding strand, the complement: POLE is on the minus strand). VCF-style: chr12-132668469-T-G. GRCh37 (hg19) VCF-style: chr12-133245055-T-G.
Other names: short protein forms Q687P.
Identifiers: ClinVar variation 3659058 (VCV003659058.2).
Genomic context (GRCh38, chr12:132,668,469, plus strand): 5'-AAGGCCCGAGCTGGCCCCTCTGGGAACAAGGGGGGGAACTTCTCTGACTCCAGCTGGTGC[T>G]GGATCCGATGGTATTCGCTGCGACTGGCTGGCACTGGGAAGGAGGCAATGGGGGCAAGTT-3'
Protein context (NP_006222.2, residues 677-697): PASRSEYHRI[Gln687Pro]HQLESEKFPP

ClinVar aggregate classification (germline): Uncertain significance (1 of 4 stars; one submission).

Submission:

Labcorp Genetics (formerly Invitae), Labcorp
Classification: Uncertain significance. Last evaluated: 2024-10-09. Review status: criteria provided, single submitter. Criteria: Invitae Variant Classification Sherloc (09022015). Collection method: clinical testing. Allele origin: germline.
Comment: This sequence change replaces glutamine, which is neutral and polar, with proline, which is neutral and non-polar, at codon 687 of the POLE protein (p.Gln687Pro). This variant is not present in population databases (gnomAD no frequency). This variant has not been reported in the literature in individuals affected with POLE-related conditions. Invitae Evidence Modeling of protein sequence and biophysical properties (such as structural, functional, and spatial information, amino acid conservation, physicochemical variation, residue mobility, and thermodynamic stability) indicates that this missense variant is expected to disrupt POLE protein function with a positive predictive value of 80%. In summary, the available evidence is currently insufficient to determine the role of this variant in disease. Therefore, it has been classified as a Variant of Uncertain Significance.